The following is an entry in ClinVar:

NC_000018.10:g.69080332_69088272del

Variant type: Deletion.
Genome position: GRCh38: chr18:69,080,332-69,088,272. GRCh37 (hg19): chr18:66,747,569-66,755,509.
Identifiers: ClinVar variation 157420 (VCV000157420.3), ClinGen allele CA212469.

ClinVar aggregate classification (germline): not provided. Review status: no classification provided (0 of 4 stars). 3 submissions from 1 submitter: not provided (3).

Conditions:
Preeclampsia. Identifiers: Orphanet 275555, MedGen C0032914, MONDO:0005081, HP:0100602.
Normal pregnancy. Identifiers: MedGen C0232989.
Large for gestational age. Identifiers: MedGen C1848395, HP:0001520.

Submissions (3):

Institute of Molecular and Cell Biology, University of Tartu
No classification provided. Condition: Normal pregnancy. Review status: no classification provided. Collection method: case-control. Allele origin: unknown. Affected: yes. Study: Kasak2014.
Comment: The study aimed to determine the contribution of copy number variants in the genetic etiology of normal and complicated pregnancies. The samples represented (i) maternal blood DNA drawn from healthy pregnant women during 1st or 2nd trimester and (ii) maternal and paternal blood DNA drawn at term pregnancy cases representing normal and complicated gestations (severe preeclampsia, PE; gestational diabetes, GD; small-for-gestational age newborn, SGA; large-for-gestational age newborn, LGA). We performed CNV calling based on genome-wide genotyping dataset (Illumina HumanOmniExpress-24-v1 BeadChip) by applying three algorithms, QuantiSNP, GADA (Genome Alteration Detection Algorithm) and CNstream in parallel. The acquired CNV calls were merged with HD-CNV (Hotspot Detector for Copy Number Variants) program and only the CNVs predicted by at least two programs, were considered in subsequent analysis.

Institute of Molecular and Cell Biology, University of Tartu
No classification provided. Condition: Large for gestational age. Review status: no classification provided. Collection method: case-control. Allele origin: unknown. Affected: yes. Study: Kasak2014.
Comment: the same text as in the submission from Institute of Molecular and Cell Biology, University of Tartu above.

Institute of Molecular and Cell Biology, University of Tartu
No classification provided. Condition: Preeclampsia. Review status: no classification provided. Collection method: case-control. Allele origin: unknown. Affected: yes. Study: Kasak2014.
Comment: the same text as in the submission from Institute of Molecular and Cell Biology, University of Tartu above.

Literature cited by the submitters: PubMed 25666259.